The following is an entry in ClinVar:

NM_001039591.3(USP9X):c.2663T>C (p.Phe888Ser)

Gene: USP9X (ubiquitin specific peptidase 9 X-linked; plus strand). Cytogenetic location: Xp11.4.
Variant type: single nucleotide variant.
Coding change: c.2663T>C on transcript NM_001039591.3 (MANE Select); coding-DNA position 2663, T replaced by C.
Protein change: p.Phe888Ser; replaces phenylalanine 888 with serine.
Molecular consequence: missense variant.
Genome position (GRCh38, 1-based): chrX:41,170,021, T>C. VCF-style: chrX-41170021-T-C. GRCh37 (hg19) VCF-style: chrX-41029274-T-C.
Other names: c.2663T>C, p.Phe888Ser (NM_001039590.3); c.2678T>C, p.Phe893Ser (NM_001410748.1, NM_001410749.1); short protein forms F888S, F893S.
Identifiers: ClinVar variation 1710892 (VCV001710892.6), dbSNP rs1174582313, ClinGen allele CA412758062.

ClinVar aggregate classification (germline): Uncertain significance. Review status: criteria provided, multiple submitters, no conflicts (2 of 4 stars). 3 submissions from 3 submitters: Uncertain significance (3). Last evaluated 2025-09-27.

Conditions:
USP9X-related disorder. Also called: USP9X-related condition.

Submissions (3):

GeneDx
Classification: Uncertain significance. Last evaluated: 2025-09-27. Review status: criteria provided, single submitter. Criteria: GeneDx Variant Classification Process June 2021. Collection method: clinical testing. Allele origin: germline. Affected: yes.
Comment: Not observed at significant frequency in large population cohorts (gnomAD); In silico analysis suggests that this missense variant does not alter protein structure/function; Has not been previously published as pathogenic or benign to our knowledge

Dasa
Classification: Uncertain significance. Last evaluated: 2025-05-20. Review status: criteria provided, single submitter. Criteria: DASA Assertion Criteria. Collection method: clinical testing. Allele origin: germline.
Comment: NM_001039591.3(USP9X):c.2663T>C (p.Phe888Ser) is a missense variant that results in the substitution of phenylalanine with serine. This variant is absent from population databases. Computational prediction algorithms are consistent with a benign effect. The currently available literature and clinical evidence are not sufficient to establish a definitive association between this variant and the reported condition. Therefore, this variant is classified as a variant of uncertain significance.

PreventionGenetics, part of Exact Sciences
Classification: Uncertain significance for USP9X-related condition. Last evaluated: 2025-02-09. Review status: criteria provided, single submitter. Criteria: ACMG Guidelines, 2015. Collection method: clinical testing. Allele origin: germline.
Comment: The USP9X c.2663T>C variant is predicted to result in the amino acid substitution p.Phe888Ser. To our knowledge, this variant has not been reported in the literature or in a large population database (gnomAD), indicating this variant is rare. At this time, the clinical significance of this variant is uncertain due to the absence of conclusive functional and genetic evidence.